The following is an entry in ClinVar:

ClinVar aggregate classification (germline): Uncertain significance (1 of 4 stars; one submission).

Conditions:
Long QT syndrome (LQTS). Identifiers: MedGen C0023976, MeSH D008133, MONDO:0002442. Disease mechanism: loss of function. Inheritance: Various modes of inheritance.

Submission:

Labcorp Genetics (formerly Invitae), Labcorp
Classification: Uncertain significance for Long QT syndrome. Last evaluated: 2025-06-04. Review status: criteria provided, single submitter. Criteria: Invitae Variant Classification Sherloc (09022015). Collection method: clinical testing. Allele origin: germline.
Comment: This sequence change creates a premature translational stop signal (p.Gln2823*) in the AKAP9 gene. It is expected to result in an absent or disrupted protein product. However, the current clinical and genetic evidence is not sufficient to establish whether loss-of-function variants in AKAP9 cause disease. This variant is not present in population databases (gnomAD no frequency). This variant has not been reported in the literature in individuals affected with AKAP9-related conditions. In summary, the available evidence is currently insufficient to determine the role of this variant in disease. Therefore, it has been classified as a Variant of Uncertain Significance.

NM_005751.5(AKAP9):c.8467C>T (p.Gln2823Ter)

Gene: AKAP9 (A-kinase anchoring protein 9; plus strand). Cytogenetic location: 7q21.2.
Variant type: single nucleotide variant.
Coding change: c.8467C>T on transcript NM_005751.5 (MANE Select); coding-DNA position 8467, C replaced by T.
Protein change: p.Gln2823Ter; replaces glutamine 2823 with a stop codon.
Molecular consequence: nonsense.
Genome position (GRCh38, 1-based): chr7:92,083,476, C>T. VCF-style: chr7-92083476-C-T. GRCh37 (hg19) VCF-style: chr7-91712790-C-T.
Other names: c.3112C>T, p.Gln1038Ter (NM_001379277.1); c.8443C>T, p.Gln2815Ter (NM_147185.3); short protein forms Q1038*, Q2823*, Q2815*.
Identifiers: ClinVar variation 4720751 (VCV004720751.1).
Genomic context (GRCh38, chr7:92,083,476, plus strand): 5'-GGAATACAAATTAATTTACAGAGTGAATGTTCCTCAGAAGAAGTTACTGAAATAATCAGT[C>T]AGTTTACTGAAAAAATTGAGAAGATGCAAGAACTACATGCTGCTGAAATTTTGGACATGG-3'